The following is an entry in ClinVar:

ClinVar aggregate classification (germline): Uncertain significance (1 of 4 stars; one submission).

Conditions:
AFF4-related disorder. Also called: AFF4-related condition.

gnomAD v4.1: 3 of 1,614,032 alleles (0.00019%); highest among the groups gnomAD compares: African/African-American, 0.0027%; no homozygotes.

Submission:

PreventionGenetics, part of Exact Sciences
Classification: Uncertain significance for AFF4-related condition. Last evaluated: 2025-06-23. Review status: criteria provided, single submitter. Criteria: ACMG Guidelines, 2015. Collection method: clinical testing. Allele origin: germline.
Comment: The AFF4 c.716C>T variant is predicted to result in the amino acid substitution p.Pro239Leu. To our knowledge, this variant has not been reported in the literature. This variant is reported in 0.0062% of alleles in individuals of African descent in gnomAD. At this time, the clinical significance of this variant is uncertain due to the absence of conclusive functional and genetic evidence.

NM_014423.4(AFF4):c.716C>T (p.Pro239Leu)

Gene: AFF4 (ALF transcription elongation factor 4; minus strand). Cytogenetic location: 5q31.1.
Variant type: single nucleotide variant.
Coding change: c.716C>T on transcript NM_014423.4 (MANE Select); coding-DNA position 716, C replaced by T.
Protein change: p.Pro239Leu; replaces proline 239 with leucine.
Molecular consequence: missense variant.
Genome position (GRCh38, 1-based): chr5:132,934,349, G>A on the plus strand (C>T on the coding strand, the complement: AFF4 is on the minus strand). VCF-style: chr5-132934349-G-A. GRCh37 (hg19) VCF-style: chr5-132270041-G-A.
Other names: short protein forms P239L.
Identifiers: ClinVar variation 5000867 (VCV005000867.1).